The following is an entry in ClinVar:

ClinVar aggregate classification (germline): Uncertain significance. Review status: criteria provided, multiple submitters, no conflicts (2 of 4 stars). 2 submissions from 2 submitters: Uncertain significance (2). Last evaluated 2025-04-17.

Conditions:
UCP3-related disorder. Also called: UCP3-related condition.

gnomAD v4.1: 20 of 1,614,150 alleles (0.0012%); highest among the groups gnomAD compares: Non-Finnish European, 0.0017%; no homozygotes.

Submissions (2):

PreventionGenetics, part of Exact Sciences
Classification: Uncertain significance for UCP3-related condition. Last evaluated: 2025-04-17. Review status: criteria provided, single submitter. Criteria: ACMG Guidelines, 2015. Collection method: clinical testing. Allele origin: germline.
Comment: The UCP3 c.275C>T variant is predicted to result in the amino acid substitution p.Ala92Val. To our knowledge, this variant has not been reported in the literature. This variant is reported in 0.00088% of alleles in individuals of European (Non-Finnish) descent in gnomAD. At this time, the clinical significance of this variant is uncertain due to the absence of conclusive functional and genetic evidence.

Ambry Genetics
Classification: Uncertain significance. Last evaluated: 2025-03-15. Review status: criteria provided, single submitter. Criteria: Ambry Variant Classification Scheme 2023. Collection method: clinical testing. Allele origin: germline.

NM_003356.4(UCP3):c.275C>T (p.Ala92Val)

Gene: UCP3 (uncoupling protein 3; minus strand). Cytogenetic location: 11q13.4.
Variant type: single nucleotide variant.
Coding change: c.275C>T on transcript NM_003356.4 (MANE Select); coding-DNA position 275, C replaced by T.
Protein change: p.Ala92Val; replaces alanine 92 with valine.
Molecular consequence: missense variant.
Genome position (GRCh38, 1-based): chr11:74,006,231, G>A on the plus strand (C>T on the coding strand, the complement: UCP3 is on the minus strand). VCF-style: chr11-74006231-G-A. GRCh37 (hg19) VCF-style: chr11-73717276-G-A.
Other names: c.275C>T, p.Ala92Val (NM_022803.3); short protein forms A92V.
Identifiers: ClinVar variation 3977217 (VCV003977217.2).